The following is an entry in ClinVar:

NM_000038.6(APC):c.5768del (p.Pro1923fs)

Gene: APC (APC regulator of Wnt signaling pathway; plus strand). Cytogenetic location: 5q22.2.
Variant type: Deletion.
Coding change: c.5768del on transcript NM_000038.6 (MANE Select); coding-DNA position 5768, one base deleted (C; older notation c.5768delC).
Protein change: p.Pro1923fs; shifts the reading frame from proline 1923.
Molecular consequence: frameshift variant. On other transcripts: non-coding transcript variant (2).
Genome position (GRCh38, 1-based): chr5:112,841,362, C deleted; the last of 2 consecutive C bases (chr5:112,841,361-112,841,362); deleting either gives the same sequence. VCF-style (leftmost placement, unchanged base first): chr5-112841360-GC-G. GRCh37 (hg19) VCF-style: chr5-112177057-GC-G.
Other names: c.5768del, p.Pro1923fs (NM_001127510.3, NM_001354895.2, NM_001407450.1); c.5714del, p.Pro1905fs (NM_001127511.3); c.5822del, p.Pro1941fs (NM_001354896.2, NM_001407447.1, NM_001407448.1 and 1 more transcripts); c.5798del, p.Pro1933fs (NM_001354897.2); c.5693del, p.Pro1898fs (NM_001354898.2); c.5684del, p.Pro1895fs (NM_001354899.2); c.5645del, p.Pro1882fs (NM_001354900.2); c.5591del, p.Pro1864fs (NM_001354901.2, NM_001407453.1); and 11 more; short protein forms P1539fs, P1640fs, P1763fs, P1794fs, P1797fs, P1822fs, P1832fs, P1840fs.
Identifiers: ClinVar variation 2583897 (VCV002583897.1), dbSNP rs2533665595, ClinGen allele CA1139770837.

ClinVar aggregate classification (germline): Pathogenic (1 of 4 stars; one submission).

Conditions:
Familial adenomatous polyposis 1 (FAP1). Also called: FAMILIAL ADENOMATOUS POLYPOSIS 1, ATTENUATED; POLYPOSIS, ADENOMATOUS INTESTINAL. Identifiers: MedGen C2713442, MONDO:0021056, OMIM 175100. Disease mechanism: loss of function.

Submission:

Myriad Genetics, Inc.
Classification: Pathogenic for Familial adenomatous polyposis 1. Last evaluated: 2023-05-12. Review status: criteria provided, single submitter. Criteria: Myriad Autosomal Dominant, Autosomal Recessive and X-Linked Classification Criteria (2023). Collection method: clinical testing. Allele origin: unknown.
Comment: This variant is considered pathogenic. This variant creates a frameshift predicted to result in premature protein truncation.